The following is an entry in ClinVar:

NM_001429.4(EP300):c.5725A>G (p.Thr1909Ala)

Gene: EP300 (EP300 lysine acetyltransferase; plus strand). Cytogenetic location: 22q13.2.
Variant type: single nucleotide variant.
Coding change: c.5725A>G on transcript NM_001429.4 (MANE Select); coding-DNA position 5725, A replaced by G.
Protein change: p.Thr1909Ala; replaces threonine 1909 with alanine.
Molecular consequence: missense variant.
Genome position (GRCh38, 1-based): chr22:41,177,436, A>G. VCF-style: chr22-41177436-A-G. GRCh37 (hg19) VCF-style: chr22-41573440-A-G.
Other names: c.5647A>G, p.Thr1883Ala (NM_001362843.2); short protein forms T1883A, T1909A.
Identifiers: ClinVar variation 3348759 (VCV003348759.2).

ClinVar aggregate classification (germline): Uncertain significance (1 of 4 stars; one submission).

Conditions:
EP300-related disorder. Also called: EP300-related condition; EP300-related disorders.

gnomAD v4.1: 40 of 1,613,264 alleles (0.0025%); highest among the groups gnomAD compares: Non-Finnish European, 0.0033%; no homozygotes.

Submission:

PreventionGenetics, part of Exact Sciences
Classification: Uncertain significance for EP300-related condition. Last evaluated: 2026-03-24. Review status: criteria provided, single submitter. Criteria: ACMG Guidelines, 2015. Collection method: clinical testing. Allele origin: germline.
Comment: The EP300 c.5725A>G variant is predicted to result in the amino acid substitution p.Thr1909Ala. To our knowledge, this variant has not been reported in the literature. This variant is reported in 0.0035% of alleles in individuals of European (Non-Finnish) descent in gnomAD. At this time, the clinical significance of this variant is uncertain due to the absence of conclusive functional and genetic evidence.